The following is an entry in ClinVar:

NM_003982.4(SLC7A7):c.360_361delinsAA (p.Trp121Arg)

Gene: SLC7A7 (solute carrier family 7 member 7; minus strand). Cytogenetic location: 14q11.2.
Variant type: Indel.
Coding change: c.360_361delinsAA on transcript NM_003982.4 (MANE Select); coding-DNA positions 360 to 361, CT replaced by AA.
Protein change: p.Trp121Arg; replaces tryptophan 121 with arginine.
Molecular consequence: missense variant.
Genome position (GRCh38, 1-based): chr14:22,813,038-22,813,039, AG replaced by TT on the plus strand (CT replaced by AA on the coding strand, the reverse complement: SLC7A7 is on the minus strand). VCF-style: chr14-22813038-AG-TT. GRCh37 (hg19) VCF-style: chr14-23282247-AG-TT.
Other names: c.360_361delCTinsAA (NM_001126106.2); c.360_361delinsAA, p.Trp121Arg (NM_001126105.3, NM_001126106.4); c.360_361delinsAA (NM_001126106.2); short protein forms W121R.
Identifiers: ClinVar variation 424554 (VCV000424554.9), dbSNP rs1064797037, ClinGen allele CA16619842.
Genomic context (GRCh38, chr14:22,813,038, plus strand): 5'-TGGCAAAGGTGATGGCAATGATGGCCTGGCTGGTGGGCTCAATGATGAGCAGGGAGGTCC[AG>TT]AGTCTGATGAAAGCAAGGAATCCTCCAAAGGCCTCCAGGATATAGGCATAGCTGGCCCCA-3'
Protein context (NP_003973.3, residues 111-131): FGGFLAFIRL[Trp121Arg]TSLLIIEPTS

ClinVar aggregate classification (germline): Conflicting classifications of pathogenicity. Review status: criteria provided, conflicting classifications (1 of 4 stars). 4 submissions from 4 submitters: Likely pathogenic (1); Uncertain significance (3). Last evaluated 2026-07-24.

Conditions:
Lysinuric protein intolerance (LPI). Identifiers: Orphanet 470, MedGen C0268647, MONDO:0009109, OMIM 222700.

Submissions (4):

GeneDx
Classification: Likely pathogenic. Last evaluated: 2026-07-24. Review status: criteria provided, single submitter. Criteria: GeneDx Variant Classification Process June 2021. Collection method: clinical testing. Allele origin: germline.
Comment: Not observed at significant frequency in large population cohorts (gnomAD); In silico analysis supports a deleterious effect on protein structure/function; This variant is associated with the following publications: (PMID: Acquah_2026_Abstract, 32542393)

Labcorp Genetics (formerly Invitae), Labcorp
Classification: Uncertain significance for Lysinuric protein intolerance. Last evaluated: 2025-11-21. Review status: criteria provided, single submitter. Criteria: Invitae Variant Classification Sherloc (09022015). Collection method: clinical testing. Allele origin: germline.
Comment: This sequence change replaces tryptophan, which is neutral and slightly polar, with arginine, which is basic and polar, at codon 121 of the SLC7A7 protein (p.Trp121Arg). Information on the frequency of this variant in the gnomAD database is not available, as this variant may be reported differently in the database. This missense change has been observed in individual(s) with SLC7A7-related conditions (PMID: 32542393). ClinVar contains an entry for this variant (Variation ID: 424554). Experimental studies and prediction algorithms are not available or were not evaluated, and the functional significance of this variant is currently unknown. In summary, the available evidence is currently insufficient to determine the role of this variant in disease. Therefore, it has been classified as a Variant of Uncertain Significance.

Fulgent Genetics
Classification: Uncertain significance for Lysinuric protein intolerance. Last evaluated: 2022-03-30. Review status: criteria provided, single submitter. Criteria: ACMG Guidelines, 2015. Collection method: clinical testing. Allele origin: unknown.

Genome-Nilou Lab
Classification: Uncertain significance for Lysinuric protein intolerance. Last evaluated: 2021-11-07. Review status: criteria provided, single submitter. Criteria: ACMG Guidelines, 2015. Collection method: clinical testing. Allele origin: germline. Affected: no.

Literature cited by the submitters: PubMed 32542393 (cited by Labcorp Genetics (formerly Invitae), Labcorp).